The following is an entry in ClinVar:

ClinVar aggregate classification (germline): Uncertain significance (1 of 4 stars; one submission).

Submission:

Labcorp Genetics (formerly Invitae), Labcorp
Classification: Uncertain significance. Last evaluated: 2025-07-29. Review status: criteria provided, single submitter. Criteria: Invitae Variant Classification Sherloc (09022015). Collection method: clinical testing. Allele origin: germline.
Comment: This sequence change creates a premature translational stop signal (p.Gln2*) in the P2RY12 gene. While this is not anticipated to result in nonsense mediated decay, it is expected to disrupt the last 341 amino acid(s) of the P2RY12 protein. This variant is not present in population databases (gnomAD no frequency). This variant has not been reported in the literature in individuals affected with P2RY12-related conditions. In summary, the available evidence is currently insufficient to determine the role of this variant in disease. Therefore, it has been classified as a Variant of Uncertain Significance.

NM_022788.5(P2RY12):c.4C>T (p.Gln2Ter)

Genes: MED12L (mediator complex subunit 12L; plus strand), P2RY12 (purinergic receptor P2Y12; minus strand). Cytogenetic location: 3q25.1.
Variant type: single nucleotide variant.
Coding change: c.4C>T on transcript NM_022788.5 (MANE Select); coding-DNA position 4, C replaced by T.
Protein change: p.Gln2Ter; replaces glutamine 2 with a stop codon.
Molecular consequence: nonsense. On other transcripts: intron variant (2).
Genome position (GRCh38, 1-based): chr3:151,338,842, G>A on the plus strand (C>T on the coding strand, the complement: P2RY12 is on the minus strand). VCF-style: chr3-151338842-G-A. GRCh37 (hg19) VCF-style: chr3-151056630-G-A.
Other names: c.4C>T, p.Gln2Ter (NM_176876.3); c.2251-11217G>A (NM_001393769.1); c.2146-11217G>A (NM_053002.6); short protein forms Q2*.
Identifiers: ClinVar variation 4723904 (VCV004723904.1).